The following is an entry in ClinVar:

NM_001347721.2(DYRK1A):c.782G>A (p.Cys261Tyr)

Gene: DYRK1A (dual specificity tyrosine phosphorylation regulated kinase 1A; plus strand). Cytogenetic location: 21q22.13.
Variant type: single nucleotide variant.
Coding change: c.782G>A on transcript NM_001347721.2 (MANE Select); coding-DNA position 782, G replaced by A.
Protein change: p.Cys261Tyr; replaces cysteine 261 with tyrosine.
Molecular consequence: missense variant.
Genome position (GRCh38, 1-based): chr21:37,490,319, G>A. VCF-style: chr21-37490319-G-A. GRCh37 (hg19) VCF-style: chr21-38862621-G-A.
Other names: c.782G>A, p.Cys261Tyr (NM_001347722.2, NM_130436.2); c.695G>A, p.Cys232Tyr (NM_001347723.2); c.809G>A, p.Cys270Tyr (NM_001396.5, NM_101395.2, NM_130438.2); short protein forms C232Y, C261Y, C270Y.
Identifiers: ClinVar variation 4282201 (VCV004282201.1).

ClinVar aggregate classification (germline): Uncertain significance (1 of 4 stars; one submission).

Submission:

GeneDx
Classification: Uncertain significance. Last evaluated: 2025-04-12. Review status: criteria provided, single submitter. Criteria: GeneDx Variant Classification Process June 2021. Collection method: clinical testing. Allele origin: germline. Affected: yes.
Comment: Not observed at significant frequency in large population cohorts (gnomAD); In silico analysis supports that this missense variant has a deleterious effect on protein structure/function; Has not been previously published as pathogenic or benign to our knowledge